The following is an entry in ClinVar:

ClinVar aggregate classification (germline): Uncertain significance. Review status: criteria provided, multiple submitters, no conflicts (2 of 4 stars). 3 submissions from 3 submitters: Uncertain significance (3). Last evaluated 2025-12-21.

Conditions:
Hereditary cancer-predisposing syndrome. Also called: Neoplastic Syndromes, Hereditary; Tumor predisposition; Hereditary neoplastic syndrome; Hereditary Cancer Syndrome. Identifiers: Orphanet 140162, MedGen C0027672, MeSH D009386, MONDO:0015356.

Allele frequency attached by ClinVar (database versions not stated): gnomAD 0.00001 and 0.00002; TOPMed 0.00001; gnomAD exomes 0.00002; ExAC 0.00002.
gnomAD v4.1: 26 of 1,614,024 alleles (0.0016%); highest among the groups gnomAD compares: South Asian, 0.0066%; no homozygotes.

Submissions (3):

Ambry Genetics
Classification: Uncertain significance for Hereditary cancer-predisposing syndrome. Last evaluated: 2025-12-21. Review status: criteria provided, single submitter. Criteria: Ambry Variant Classification Scheme 2023. Collection method: clinical testing. Allele origin: germline.
Comment: The p.R1185Q variant (also known as c.3554G>A), located in coding exon 23 of the RAD50 gene, results from a G to A substitution at nucleotide position 3554. The arginine at codon 1185 is replaced by glutamine, an amino acid with highly similar properties. This amino acid position is highly conserved in available vertebrate species. In addition, this alteration is predicted to be deleterious by in silico analysis. Since supporting evidence is limited at this time, the clinical significance of this alteration remains unclear.

Labcorp Genetics (formerly Invitae), Labcorp
Classification: Uncertain significance for Hereditary cancer-predisposing syndrome. Last evaluated: 2025-07-07. Review status: criteria provided, single submitter. Criteria: Invitae Variant Classification Sherloc (09022015). Collection method: clinical testing. Allele origin: germline.
Comment: This sequence change replaces arginine, which is basic and polar, with glutamine, which is neutral and polar, at codon 1185 of the RAD50 protein (p.Arg1185Gln). This variant is present in population databases (rs747603489, gnomAD 0.006%). This missense change has been observed in individual(s) with clinical features of RAD50-related conditions (PMID: 31159747). ClinVar contains an entry for this variant (Variation ID: 408424). Invitae Evidence Modeling of protein sequence and biophysical properties (such as structural, functional, and spatial information, amino acid conservation, physicochemical variation, residue mobility, and thermodynamic stability) indicates that this missense variant is expected to disrupt RAD50 protein function with a positive predictive value of 80%. In summary, the available evidence is currently insufficient to determine the role of this variant in disease. Therefore, it has been classified as a Variant of Uncertain Significance.

GeneKor MSA
Classification: Uncertain significance for Hereditary cancer-predisposing syndrome. Last evaluated: 2018-08-01. Review status: criteria provided, single submitter. Criteria: ACMG Guidelines, 2015. Collection method: clinical testing. Allele origin: germline.

Literature cited by the submitters: PubMed 31159747 (cited by Labcorp Genetics (formerly Invitae), Labcorp).

NM_005732.4(RAD50):c.3554G>A (p.Arg1185Gln)

Genes: TH2-LCR (Th2 cytokine locus control region; plus strand), TH2LCRR (T helper type 2 locus control region associated RNA; minus strand), RAD50 (RAD50 double strand break repair protein; plus strand). Cytogenetic location: 5q31.1.
Variant type: single nucleotide variant.
Coding change: c.3554G>A on transcript NM_005732.4 (MANE Select); coding-DNA position 3554, G replaced by A.
Protein change: p.Arg1185Gln; replaces arginine 1185 with glutamine.
Molecular consequence: missense variant. On other transcripts: non-coding transcript variant (3).
Genome position (GRCh38, 1-based): chr5:132,638,159, G>A. VCF-style: chr5-132638159-G-A. GRCh37 (hg19) VCF-style: chr5-131973851-G-A.
Other names: short protein forms R1185Q.
Identifiers: ClinVar variation 408424 (VCV000408424.14), dbSNP rs747603489, ClinGen allele CA3405610.